The following is an entry in ClinVar:

ClinVar aggregate classification (germline): Uncertain significance. Review status: criteria provided, multiple submitters, no conflicts (2 of 4 stars). 2 submissions from 2 submitters: Uncertain significance (2). Last evaluated 2025-05-19.

Conditions:
Epileptic encephalopathy. Identifiers: MedGen C0543888, HP:0200134.

Allele frequency attached by ClinVar (database versions not stated): ExAC 0.00007; gnomAD exomes 0.00008; TOPMed 0.00012.
gnomAD v4.1: 121 of 1,613,924 alleles (0.0075%); highest among the groups gnomAD compares: Admixed American, 0.022%; no homozygotes.

Submissions (2):

Ambry Genetics
Classification: Uncertain significance. Last evaluated: 2025-05-19. Review status: criteria provided, single submitter. Criteria: Ambry Variant Classification Scheme 2023. Collection method: clinical testing. Allele origin: germline.

Labcorp Genetics (formerly Invitae), Labcorp
Classification: Uncertain significance for Epileptic encephalopathy. Last evaluated: 2022-11-22. Review status: criteria provided, single submitter. Criteria: Invitae Variant Classification Sherloc (09022015). Collection method: clinical testing. Allele origin: germline.
Comment: This variant has not been reported in the literature in individuals affected with RYR3-related conditions. In summary, the available evidence is currently insufficient to determine the role of this variant in disease. Therefore, it has been classified as a Variant of Uncertain Significance. Advanced modeling of protein sequence and biophysical properties (such as structural, functional, and spatial information, amino acid conservation, physicochemical variation, residue mobility, and thermodynamic stability) performed at Invitae indicates that this missense variant is not expected to disrupt RYR3 protein function. ClinVar contains an entry for this variant (Variation ID: 1034840). This variant is present in population databases (rs777615310, gnomAD 0.02%). This sequence change replaces valine, which is neutral and non-polar, with methionine, which is neutral and non-polar, at codon 1415 of the RYR3 protein (p.Val1415Met).

NM_001036.6(RYR3):c.4243G>A (p.Val1415Met)

Gene: RYR3 (ryanodine receptor 3; plus strand). Cytogenetic location: 15q14.
Variant type: single nucleotide variant.
Coding change: c.4243G>A on transcript NM_001036.6 (MANE Select); coding-DNA position 4243, G replaced by A.
Protein change: p.Val1415Met; replaces valine 1415 with methionine.
Molecular consequence: missense variant.
Genome position (GRCh38, 1-based): chr15:33,652,818, G>A. VCF-style: chr15-33652818-G-A. GRCh37 (hg19) VCF-style: chr15-33945019-G-A.
Other names: c.4243G>A, p.Val1415Met (NM_001243996.4); c.4243G>A (NM_001036.3); short protein forms V1415M.
Identifiers: ClinVar variation 1034840 (VCV001034840.10), dbSNP rs777615310, ClinGen allele CA7458942.
Genomic context (GRCh38, chr15:33,652,818, plus strand): 5'-ATTGTAGCCAGTTCCCAGAGATCAAATCGGAGCAACGTGGACCTGGAGATCGGCTGTCTC[G>A]TGGATCTGGCCATGGGCATGTTGTCCTTCTCAGCCAATGGAAAGGAACTGGGCACCTGCT-3'
Protein context (NP_001027.3, residues 1405-1425): SNVDLEIGCL[Val1415Met]DLAMGMLSFS